The following is an entry in ClinVar:

ClinVar aggregate classification (germline): Uncertain significance (1 of 4 stars; one submission).

Conditions:
BAP1-related tumor predisposition syndrome (TPDS1). Also called: BAP1 tumor predisposition syndrome; COMMON Syndrome; TUMOR PREDISPOSITION SYNDROME 1; Tumor susceptibility linked to germline BAP1 mutations. Identifiers: Orphanet 289539, MedGen C3280492, MONDO:0013692, OMIM 614327.

Submission:

Labcorp Genetics (formerly Invitae), Labcorp
Classification: Uncertain significance for BAP1-related tumor predisposition syndrome. Last evaluated: 2023-06-27. Review status: criteria provided, single submitter. Criteria: Invitae Variant Classification Sherloc (09022015). Collection method: clinical testing. Allele origin: unknown.
Comment: In summary, the available evidence is currently insufficient to determine the role of this variant in disease. Therefore, it has been classified as a Variant of Uncertain Significance. This variant has not been reported in the literature in individuals affected with BAP1-related conditions. This variant results in a copy number gain of the genomic region encompassing exon(s) 1-10 of the BAP1 gene. This region includes the initiator codon of the gene. This copy number gain extends beyond the assayed region for this gene and therefore may encompass additional genes. As the precise location of this event is unknown, it may be in tandem or it may be located elsewhere in the genome.

NC_000003.11:g.(?_52439771)_(52443894_?)dup

Gene: BAP1 (BRCA1 associated deubiquitinase 1; minus strand). Cytogenetic location: 3p21.1.
Variant type: Duplication.
Identifiers: ClinVar variation 3246919 (VCV003246919.1).